The following is an entry in ClinVar:

ClinVar aggregate classification (germline): Uncertain significance (1 of 4 stars; one submission).

Conditions:
RASopathy. Also called: Noonan spectrum disorder; rasopathies. Identifiers: Orphanet 536391, MedGen C5555857, MONDO:0021060.

Submission:

Labcorp Genetics (formerly Invitae), Labcorp
Classification: Uncertain significance for RASopathy. Last evaluated: 2024-08-08. Review status: criteria provided, single submitter. Criteria: Invitae Variant Classification Sherloc (09022015). Collection method: clinical testing. Allele origin: germline.
Comment: This sequence change affects codon 189 of the RAF1 mRNA. It is a 'silent' change, meaning that it does not change the encoded amino acid sequence of the RAF1 protein. This variant is not present in population databases (gnomAD no frequency). This variant has not been reported in the literature in individuals affected with RAF1-related conditions. Algorithms developed to predict the effect of sequence changes on RNA splicing suggest that this variant may disrupt the consensus splice site. In summary, the available evidence is currently insufficient to determine the role of this variant in disease. Therefore, it has been classified as a Variant of Uncertain Significance.

NM_002880.4(RAF1):c.567C>T (p.Asn189=)

Gene: RAF1 (Raf-1 proto-oncogene, serine/threonine kinase; minus strand). Cytogenetic location: 3p25.2.
Variant type: single nucleotide variant.
Coding change: c.567C>T on transcript NM_002880.4 (MANE Select); coding-DNA position 567, C replaced by T.
Protein change: p.Asn189=; no amino-acid change (asparagine 189 retained).
Molecular consequence: synonymous variant. On other transcripts: non-coding transcript variant (3).
Genome position (GRCh38, 1-based): chr3:12,608,780, G>A on the plus strand (C>T on the coding strand, the complement: RAF1 is on the minus strand). VCF-style: chr3-12608780-G-A. GRCh37 (hg19) VCF-style: chr3-12650279-G-A.
Other names: c.567C>T, p.Asn189= (NM_001354689.3, NM_001354690.3, NM_001354693.3); c.324C>T, p.Asn108= (NM_001354691.3, NM_001354692.3, NM_001354694.3 and 1 more transcripts).
Identifiers: ClinVar variation 3661837 (VCV003661837.2).